The following is an entry in ClinVar:

NM_005445.4(SMC3):c.2301_2302insGGG (p.Leu767_His768insGly)

Gene: SMC3 (structural maintenance of chromosomes 3; plus strand). Cytogenetic location: 10q25.2.
Variant type: Insertion.
Coding change: c.2301_2302insGGG on transcript NM_005445.4 (MANE Select); coding-DNA positions 2301 to 2302, GGG inserted.
Protein change: p.Leu767_His768insGly.
Genome position: GRCh38 VCF-style: chr10-110599685-T-TGGG. GRCh37 (hg19) VCF-style: chr10-112359443-T-TGGG.
Identifiers: ClinVar variation 4082789 (VCV004082789.1).

ClinVar aggregate classification (germline): Uncertain significance (1 of 4 stars; one submission).

Submission:

GeneDx
Classification: Uncertain significance. Last evaluated: 2025-03-07. Review status: criteria provided, single submitter. Criteria: GeneDx Variant Classification Process June 2021. Collection method: clinical testing. Allele origin: germline. Affected: yes.
Comment: In-frame insertion of 1 amino acid(s) in a non-repeat region; Not observed at significant frequency in large population cohorts (gnomAD); Has not been previously published as pathogenic or benign to our knowledge